The following continues an entry in ClinVar:

NM_000053.4(ATP7B):c.2332C>T (p.Arg778Trp)

Gene: ATP7B. ClinVar aggregate classification (germline): Pathogenic. Pathogenic (19).

Submissions 13 to 20 of 20:

GeneDx
Classification: Pathogenic. Last evaluated: 2022-12-27. Review status: criteria provided, single submitter. Criteria: GeneDx Variant Classification Process June 2021. Collection method: clinical testing. Allele origin: germline. Affected: yes.
Comment: In silico analysis supports that this missense variant has a deleterious effect on protein structure/function; This variant is associated with the following publications: (PMID: 9837819, 17160357, 23333878, 24253677, 22692182, 10502776, 11093740, 10790207, 11721763, 10502777, 9311736, 9671269, 26207595, 28265897, 30120852, 32043565, 30275481, 31589614, 33726816, 33159804)

ARUP Laboratories, Molecular Genetics and Genomics, ARUP Laboratories
Classification: Pathogenic for Wilson disease. Last evaluated: 2022-05-20. Review status: criteria provided, single submitter. Criteria: ARUP Molecular Germline Variant Investigation Process 2021. Collection method: clinical testing. Allele origin: germline.
Comment: The ATP7B c.2332C>T; p.Arg778Trp variant (rs137853284) is reported in homozygous and compound heterozygous state in several individuals with Wilson disease (Butler 2001, Coffey 2013, Kumar 2007, Shah 1997) and is described as segregating with disease (Coffey 2013). The variant is listed in the ClinVar database (Variation ID: 456553) and in the general population with an overall allele frequency of 0.005% (13/249,436 alleles) in the Genome Aggregation Database. The arginine at codon 778 is highly conserved, and computational analyses predict that this variant is deleterious (REVEL: 0.877). In support of this prediction, this variant has been shown to have reduced function (Kumar 2007). Additionally, other amino acid substitutions at this codon (p.Arg778Gln, p.Arg778Gly, p.Arg778Leu) have been reported in individuals with Wilson disease and are considered pathogenic (Dong 2016, Forbes 1998, Kumar 2007, Schushan 2012). Considering available information, this variant is classified as pathogenic. References: Butler P et al. Molecular diagnosis of Wilson disease. Mol Genet Metab. 2001 Mar;72(3):223-30. PMID: 11243728. Coffey AJ et al. A genetic study of Wilson's disease in the United Kingdom. Brain. 2013 May;136(Pt 5):1476-87. PMID: 23518715. Dong Y et al. Spectrum and Classification of ATP7B Variants in a Large Cohort of Chinese Patients with Wilson's Disease Guides Genetic Diagnosis. Theranostics. 2016 Mar 3;6(5):638-49. PMID: 27022412. Forbes JR and Cox DW. Functional characterization of missense mutations in ATP7B: Wilson disease mutation or normal variant? Am J Hum Genet. 1998 Dec;63(6):1663-74. PMID: 9837819. Kumar S et al. Analysis of most common mutations R778G, R778L, R778W, I1102T and H1069Q in Indian Wilson disease patients: correlation between genotype/phenotype/copper ATPase activity. Mol Cell Biochem. 2007 Jan;294(1-2):1-10. PMID: 17160357. Schushan M et al. A structural model of the copper ATPase ATP7B to facilitate analysis of Wilson disease-causing mutations and studies of the transport mechanism. Metallomics. 2012 Jul;4(7):669-78. PMID: 22692182. Shah AB et al. Identification and analysis of mutations in the Wilson disease gene (ATP7B): population frequencies, genotype-phenotype correlation, and functional analyses. Am J Hum Genet. 1997 Aug;61(2):317-28. PMID: 9311736.

Genome-Nilou Lab
Classification: Pathogenic for Wilson disease. Last evaluated: 2021-08-10. Review status: criteria provided, single submitter. Criteria: ACMG Guidelines, 2015. Collection method: clinical testing. Allele origin: germline. Affected: no.

CeGaT Center for Human Genetics Tuebingen
Classification: Pathogenic. Last evaluated: 2019-09-01. Review status: criteria provided, single submitter. Criteria: CeGaT Center For Human Genetics Tuebingen Variant Classification Criteria Version 2. Collection method: clinical testing. Allele origin: germline. Affected: yes. Observed: 3 variant alleles.

Women's Health and Genetics/Laboratory Corporation of America, LabCorp
Classification: Pathogenic for Wilson disease. Last evaluated: 2017-03-09. Review status: criteria provided, single submitter. Criteria: LabCorp Variant Classification Summary - May 2015. Collection method: clinical testing. Allele origin: germline.
Comment: Variant summary: The ATP7B c.2332C>T (p.Arg778Trp) variant involves the alteration of a non-conserved nucleotide. 5/5 in silico tools predict a damaging outcome for this variant. This variant was found in 5/120374 control chromosomes at a frequency of 0.0000415, which does not exceed the estimated maximal expected allele frequency of a pathogenic ATP7B variant (0.0054006). This variant is in the P-type ATPase A domain (IPR008250) with one study (Kumar_MCB_2007) showing decreased copper stimulated ATPase activity with this variant compared to WT and biochemical finding suggesting deleterious effect (Kumar, 2007; Dufernez, 2013). The variant was identified in multiple affected individuals homozygously or in compound heterozygosity in patients with clinically and biochemically confirmed Wilsons disease (WD). Multiple family studies showed segregation of this variant with WD. The codon Arg778 appears to be a mutational hot-spot, as other alteration, such as p.R778Q, p.R778G and p.R778L have been reported in patients with WD. Taken together, this variant is classified as pathogenic.

Ambry Genetics
Classification: Pathogenic for Inborn genetic diseases. Last evaluated: 2014-11-19. Review status: criteria provided, single submitter. Criteria: Ambry Variant Classification Scheme 2023. Collection method: clinical testing. Allele origin: germline.
Comment: The p.R778W pathogenic mutation (also known as c.2332C>T), located in coding exon 8 of the ATP7B gene, results from a C to T substitution at nucleotide position 2332. The arginine at codon 778 is replaced by tryptophan, an amino acid with dissimilar properties. This mutation has been seen in trans with another mutation in four individuals from two unrelated families who all fulfilled diagnostic criteria (developed at the 8th International Meeting on Wilson disease) for Wilson disease (Coffey AJ, et al. Brain 2013 May; 136(Pt 5):1476-87). In addition, mutations affecting the same arginine reside at codon 778, p.R778L and p.R778G, have been reported in the literature (Chuang LM, et al. J. Med. Genet. 1996 Jun; 33(6):521-3). Based on the supporting evidence, p.R778W is interpreted as a disease-causing mutation.

Juno Genomics, Hangzhou Juno Genomics, Inc
Classification: Pathogenic for Wilson disease. Review status: criteria provided, single submitter. Criteria: ACMG Guidelines, 2015. Collection method: clinical testing. Allele origin: germline. Affected: yes.
Comment: Absent from controls (or at extremely low frequency if recessive) in Genome Aggregation Database, Exome Sequencing Project, 1000 Genomes Project, or Exome Aggregation Consortium.;Multiple lines of computational evidence support a deleterious effect on the gene or gene product (conservation, evolutionary, splicing impact, etc).;For recessive disorders, detected in trans with a pathogenic variant.;Patient's phenotype or family history is highly specific for a disease with a single genetic etiology.;Novel missense change at an amino acid residue where a different missense change determined to be pathogenic has been seen before.

Counsyl
Classification: Pathogenic for Wilson disease. Last evaluated: 2014-01-02. Review status: no assertion criteria provided. Collection method: clinical testing. Allele origin: unknown. Not counted in ClinVar's aggregate classification.

Literature cited by the submitters: PubMed 17160357 (cited by 5 submitters); PubMed 10790207 (cited by 4 submitters); PubMed 11405812 (cited by Labcorp Genetics (formerly Invitae), Labcorp and Women's Health and Genetics/Laboratory Corporation of America, LabCorp); PubMed 16283883 (cited by Labcorp Genetics (formerly Invitae), Labcorp); PubMed 19937698 (cited by Labcorp Genetics (formerly Invitae), Labcorp); PubMed 20517649 (cited by Labcorp Genetics (formerly Invitae), Labcorp); PubMed 20931554 (cited by Labcorp Genetics (formerly Invitae), Labcorp); PubMed 21682854 (cited by Labcorp Genetics (formerly Invitae), Labcorp); PubMed 23333878 (cited by Labcorp Genetics (formerly Invitae), Labcorp and Color Diagnostics, LLC DBA Color Health); PubMed 27022412 (cited by Labcorp Genetics (formerly Invitae), Labcorp and Color Diagnostics, LLC DBA Color Health); PubMed 23518715 (cited by 6 submitters); PubMed 9311736 (cited by 5 submitters); PubMed 10502777 (cited by 3 submitters); PubMed 16207219 (cited by All of Us Research Program, National Institutes of Health and Color Diagnostics, LLC DBA Color Health); PubMed 20453399 (cited by All of Us Research Program, National Institutes of Health); PubMed 22735241 (cited by All of Us Research Program, National Institutes of Health); PubMed 23567103 (cited by 4 submitters); PubMed 25130000 (cited by All of Us Research Program, National Institutes of Health); PubMed 30120852 (cited by All of Us Research Program, National Institutes of Health); PubMed 36096368 (cited by All of Us Research Program, National Institutes of Health); PubMed 9671269 (cited by Color Diagnostics, LLC DBA Color Health and Counsyl); PubMed 10502776 (cited by Color Diagnostics, LLC DBA Color Health and Counsyl); PubMed 15967699 (cited by Color Diagnostics, LLC DBA Color Health); PubMed 17949296 (cited by 3 submitters); PubMed 22677543 (cited by Color Diagnostics, LLC DBA Color Health); PubMed 9801873 (cited by Women's Health and Genetics/Laboratory Corporation of America, LabCorp); PubMed 21796144 (cited by Ambry Genetics); PubMed 22692182 (cited by Ambry Genetics and Counsyl); PubMed 8782057 (cited by Ambry Genetics).